The following is an entry in ClinVar:

NM_000026.4(ADSL):c.446G>A (p.Arg149Gln)

Gene: ADSL (adenylosuccinate lyase; plus strand). Cytogenetic location: 22q13.1.
Variant type: single nucleotide variant.
Coding change: c.446G>A on transcript NM_000026.4 (MANE Select); coding-DNA position 446, G replaced by A.
Protein change: p.Arg149Gln; replaces arginine 149 with glutamine.
Molecular consequence: missense variant. On other transcripts: non-coding transcript variant (1).
Genome position (GRCh38, 1-based): chr22:40,354,291, G>A. VCF-style: chr22-40354291-G-A. GRCh37 (hg19) VCF-style: chr22-40750295-G-A.
Other names: c.446G>A, p.Arg149Gln (NM_001123378.3, NM_001363840.3); c.254G>A, p.Arg85Gln (NM_001317923.2); short protein forms R85Q, R149Q.
Identifiers: ClinVar variation 948779 (VCV000948779.7), dbSNP rs747546394, ClinGen allele CA10247727.

ClinVar aggregate classification (germline): Uncertain significance (1 of 4 stars; one submission).

Conditions:
Adenylosuccinate lyase deficiency (ADSLD). Also called: ADSL DEFICIENCY. Identifiers: Orphanet 46, MedGen C0268126, MONDO:0007068, OMIM 103050.

Allele frequency attached by ClinVar (database versions not stated): ExAC 0.00001.

Submission:

Labcorp Genetics (formerly Invitae), Labcorp
Classification: Uncertain significance for Adenylosuccinate lyase deficiency. Last evaluated: 2021-08-13. Review status: criteria provided, single submitter. Criteria: Invitae Variant Classification Sherloc (09022015). Collection method: clinical testing. Allele origin: germline.
Comment: This sequence change replaces arginine with glutamine at codon 149 of the ADSL protein (p.Arg149Gln). The arginine residue is weakly conserved and there is a small physicochemical difference between arginine and glutamine. This variant is present in population databases (rs747546394, ExAC 0.01%). This variant has not been reported in the literature in individuals affected with ADSL-related conditions. Algorithms developed to predict the effect of missense changes on protein structure and function output the following: SIFT: "Tolerated"; PolyPhen-2: "Benign"; Align-GVGD: "Class C0". The glutamine amino acid residue is found in multiple mammalian species, which suggests that this missense change does not adversely affect protein function. In summary, the available evidence is currently insufficient to determine the role of this variant in disease. Therefore, it has been classified as a Variant of Uncertain Significance.